The following is an entry in ClinVar:

ClinVar aggregate classification (germline): Uncertain significance. Review status: criteria provided, single submitter (1 of 4 stars). 2 submissions from 2 submitters: Uncertain significance (1). 1 of the submissions does not count toward it. Last evaluated 2014-07-01.

Conditions:
Autosomal recessive nonsyndromic hearing loss 77. Identifiers: Orphanet 90636, MedGen C2746083, MONDO:0013119, OMIM 613079.

Allele frequency attached by ClinVar (database versions not stated): gnomAD exomes 0.00001; TOPMed below 0.00001.
gnomAD v4.1: 2 of 1,551,706 alleles (0.00013%); highest among the groups gnomAD compares: Admixed American, 0.0039%; no homozygotes.

Submissions (2):

Laboratory for Molecular Medicine, Mass General Brigham Personalized Medicine
Classification: Uncertain significance. Last evaluated: 2014-07-01. Review status: criteria provided, single submitter. Criteria: LMM Criteria. Collection method: clinical testing. Allele origin: germline. Observed: 1 variant allele.
Comment: The Leu354His variant in LOXHD1 has not been previously reported in individuals with hearing loss and was absent from large population studies. Computational pr ediction tools and conservation analyses suggest that the Leu354His variant may impact the protein, though this information is not predictive enough to determin e pathogenicity. In summary, the clinical significance of the Leu354His variant is uncertain.

Natera, Inc.
Classification: Uncertain significance for Autosomal recessive deafness type 77. Last evaluated: 2019-10-28. Review status: no assertion criteria provided. Collection method: clinical testing. Allele origin: germline. Not counted in ClinVar's aggregate classification.

NM_001384474.1(LOXHD1):c.1061T>A (p.Leu354His)

Gene: LOXHD1 (lipoxygenase homology PLAT domains 1; minus strand). Cytogenetic location: 18q21.1.
Variant type: single nucleotide variant.
Coding change: c.1061T>A on transcript NM_001384474.1 (MANE Select); coding-DNA position 1061, T replaced by A.
Protein change: p.Leu354His; replaces leucine 354 with histidine.
Molecular consequence: missense variant.
Genome position (GRCh38, 1-based): chr18:46,601,290, A>T on the plus strand (T>A on the coding strand, the complement: LOXHD1 is on the minus strand). VCF-style: chr18-46601290-A-T. GRCh37 (hg19) VCF-style: chr18-44181253-A-T.
Other names: c.1061T>A, p.Leu354His (NM_144612.7); short protein forms L354H.
Identifiers: ClinVar variation 163935 (VCV000163935.5), dbSNP rs727503150, ClinGen allele CA176660.